The following is an entry in ClinVar:

NM_000287.4(PEX6):c.627G>C (p.Arg209=)

Gene: PEX6 (peroxisomal biogenesis factor 6; minus strand). Cytogenetic location: 6p21.1.
Variant type: single nucleotide variant.
Coding change: c.627G>C on transcript NM_000287.4 (MANE Select); coding-DNA position 627, G replaced by C.
Protein change: p.Arg209=; no amino-acid change (arginine 209 retained).
Molecular consequence: synonymous variant. On other transcripts: non-coding transcript variant (1), intron variant (1).
Genome position (GRCh38, 1-based): chr6:42,978,524, C>G on the plus strand (G>C on the coding strand, the complement: PEX6 is on the minus strand). VCF-style: chr6-42978524-C-G. GRCh37 (hg19) VCF-style: chr6-42946262-C-G.
Other names: c.618+9G>C (NM_001316313.2).
Identifiers: ClinVar variation 4851921 (VCV004851921.1).

ClinVar aggregate classification (germline): Likely benign (1 of 4 stars; one submission).

Submission:

Dasa
Classification: Likely benign. Last evaluated: 2026-02-17. Review status: criteria provided, single submitter. Criteria: DASA Assertion Criteria. Collection method: clinical testing. Allele origin: germline.
Comment: NM_001316313.2(PEX6):c.618+9G>C is a splice-region variant predicted to affect normal RNA splicing. Multiple computational predictions suggest no deleterious effect on the gene or gene product. The variant is present at low frequency in population datasets. Based on the available data, this variant is classified as likely benign.